The following is an entry in ClinVar:

NC_000002.12:g.203866287dup

Gene: CTLA4 (cytotoxic T-lymphocyte associated protein 4; plus strand). Cytogenetic location: 2q33.2.
Variant type: Duplication.
Genome position: GRCh38 VCF-style: chr2-203866281-T-TA. GRCh37 (hg19) VCF-style: chr2-204731004-T-TA.
Identifiers: ClinVar variation 2651833 (VCV002651833.24), dbSNP rs111797216, ClinGen allele CA63784508.

ClinVar aggregate classification (germline): Benign (1 of 4 stars; one submission).

Submission:

CeGaT Center for Human Genetics Tuebingen
Classification: Benign. Last evaluated: 2022-09-01. Review status: criteria provided, single submitter. Criteria: CeGaT Center For Human Genetics Tuebingen Variant Classification Criteria Version 2. Collection method: clinical testing. Allele origin: germline. Affected: yes. Observed: 1 variant allele.
Comment: CTLA4: BS1, BS2